The following is an entry in ClinVar:

NM_001288705.3(CSF1R):c.668T>G (p.Val223Gly)

Genes: CSF1R (colony stimulating factor 1 receptor; minus strand), LOC111188154 (RORalpha allelically-responsive CSF1R enhancer; plus strand). Cytogenetic location: 5q32.
Variant type: single nucleotide variant.
Coding change: c.668T>G on transcript NM_001288705.3 (MANE Select); coding-DNA position 668, T replaced by G.
Protein change: p.Val223Gly; replaces valine 223 with glycine.
Molecular consequence: missense variant. On other transcripts: non-coding transcript variant (2).
Genome position (GRCh38, 1-based): chr5:150,078,173, A>C on the plus strand (T>G on the coding strand, the complement: CSF1R is on the minus strand). VCF-style: chr5-150078173-A-C. GRCh37 (hg19) VCF-style: chr5-149457736-A-C.
Other names: c.668T>G, p.Val223Gly (NM_001349736.2, NM_001375320.1, NM_005211.4); c.224T>G, p.Val75Gly (NM_001375321.1); short protein forms V223G, V75G.
Identifiers: ClinVar variation 1719882 (VCV001719882.5), dbSNP rs1410185875, ClinGen allele CA361730300.
Genomic context (GRCh38, chr5:150,078,173, plus strand): 5'-TTGGTGTTGTTGTGTTGGAGGAAGACATCAAAGTTAACATCAACGCTGCTGGCTGAGCAC[A>C]CGATCTGGGCAGCCTCCCCTCGAATCCGCACCAGCTCTGCAGGCACCAGTGTCAAGGCTG-3'
Protein context (NP_001275634.1, residues 213-233): VRIRGEAAQI[Val223Gly]CSASSVDVNF

ClinVar aggregate classification (germline): Uncertain significance (1 of 4 stars; one submission).

Submission:

Labcorp Genetics (formerly Invitae), Labcorp
Classification: Uncertain significance. Last evaluated: 2022-09-20. Review status: criteria provided, single submitter. Criteria: Invitae Variant Classification Sherloc (09022015). Collection method: clinical testing. Allele origin: germline.
Comment: In summary, the available evidence is currently insufficient to determine the role of this variant in disease. Therefore, it has been classified as a Variant of Uncertain Significance. Advanced modeling of protein sequence and biophysical properties (such as structural, functional, and spatial information, amino acid conservation, physicochemical variation, residue mobility, and thermodynamic stability) performed at Invitae indicates that this missense variant is not expected to disrupt CSF1R protein function. This variant has not been reported in the literature in individuals affected with CSF1R-related conditions. This variant is not present in population databases (gnomAD no frequency). This sequence change replaces valine, which is neutral and non-polar, with glycine, which is neutral and non-polar, at codon 223 of the CSF1R protein (p.Val223Gly).